The following is an entry in ClinVar:

NM_022489.4(INF2):c.*1+5G>A

Gene: INF2 (inverted formin 2; plus strand). Cytogenetic location: 14q32.33.
Variant type: single nucleotide variant.
Coding change: c.*1+5G>A on transcript NM_022489.4 (MANE Select); 5 bases into the intron after 1 bases downstream of the stop codon, G replaced by A.
Molecular consequence: intron variant.
Genome position (GRCh38, 1-based): chr14:104,715,345, G>A. VCF-style: chr14-104715345-G-A. GRCh37 (hg19) VCF-style: chr14-105181682-G-A.
Other names: c.*1+5G>A (NM_001426863.1, NM_001426864.1); c.3694+489G>A (NM_001426865.1, NM_001426862.1, NM_001031714.4).
Identifiers: ClinVar variation 4978446 (VCV004978446.1).
Genomic context (GRCh38, chr14:104,715,345, plus strand): 5'-GGTTCCCCCTGATTCTGATGATAATAAAACAAAGAAACTGTGTGTGATCCAGTAAGGTAT[G>A]TACGCAGCCGGCGCTCCGTGGGGGCTAACAGCAGCTGCAGGGCAGTGGGGCTGGAGCTTG-3'

ClinVar aggregate classification (germline): Uncertain significance (1 of 4 stars; one submission).

Conditions:
INF2-related disorder. Also called: INF2-related condition.

gnomAD v4.1: 98 of 1,612,914 alleles (0.0061%); highest among the groups gnomAD compares: Admixed American, 0.0083%; no homozygotes.

Submission:

PreventionGenetics, part of Exact Sciences
Classification: Uncertain significance for INF2-related condition. Last evaluated: 2026-02-18. Review status: criteria provided, single submitter. Criteria: ACMG Guidelines, 2015. Collection method: clinical testing. Allele origin: germline.
Comment: The INF2 c.3694+489G>A variant is predicted to interfere with splicing. This variant is predicted to potentially impact a donor splice site associated with inclusion of a downstream non-coding exon in the 3' UTR of NM_022489 (SpliceAI, Jaganathan et al. 2019. PubMed ID: 30661751). To our knowledge, this variant has not been reported in the literature. A similar variant impacting this splice site (c.*1+1G>C) has been reported in individuals with Charcot-Marie-Tooth disease phenotypes (Table S3, Vaeth et al. 2019. PubMed ID: 29653220; Table 1, Schrezenmeier et al. 2021. PubMed ID: 33712733). This variant is reported in 0.0085% of alleles in individuals of Latino descent in gnomAD. At this time, the clinical significance of this variant is uncertain due to the absence of conclusive functional and genetic evidence.